The following is an entry in ClinVar:

ClinVar aggregate classification (germline): Pathogenic (1 of 4 stars; one submission).

Submission:

Labcorp Genetics (formerly Invitae), Labcorp
Classification: Pathogenic. Last evaluated: 2023-07-06. Review status: criteria provided, single submitter. Criteria: Invitae Variant Classification Sherloc (09022015). Collection method: clinical testing. Allele origin: germline.
Comment: For these reasons, this variant has been classified as Pathogenic. This variant disrupts the p.Trp1618 amino acid residue in ABCA4. Other variant(s) that disrupt this residue have been determined to be pathogenic (PMID: 26355662; Invitae). This suggests that this residue is clinically significant, and that variants that disrupt this residue are likely to be disease-causing. Advanced modeling of protein sequence and biophysical properties (such as structural, functional, and spatial information, amino acid conservation, physicochemical variation, residue mobility, and thermodynamic stability) performed at Invitae indicates that this missense variant is expected to disrupt ABCA4 protein function. This missense change has been observed in individual(s) with clinical features of inherited retinal dystrophy (PMID: 31736247). In at least one individual the data is consistent with being in trans (on the opposite chromosome) from a pathogenic variant. This variant is not present in population databases (gnomAD no frequency). This sequence change replaces tryptophan, which is neutral and slightly polar, with cysteine, which is neutral and slightly polar, at codon 1618 of the ABCA4 protein (p.Trp1618Cys).

Literature cited by the submitters: PubMed 26355662; PubMed 31736247.

NM_000350.3(ABCA4):c.4854G>T (p.Trp1618Cys)

Genes: ABCA4 (ATP binding cassette subfamily A member 4; minus strand), LOC126805793 (CDK7 strongly-dependent group 2 enhancer GRCh37_chr1:94486302-94487501; plus strand). Cytogenetic location: 1p22.1.
Variant type: single nucleotide variant.
Coding change: c.4854G>T on transcript NM_000350.3 (MANE Select); coding-DNA position 4854, G replaced by T.
Protein change: p.Trp1618Cys; replaces tryptophan 1618 with cysteine.
Molecular consequence: missense variant.
Genome position (GRCh38, 1-based): chr1:94,021,404, C>A on the plus strand (G>T on the coding strand, the complement: ABCA4 is on the minus strand). VCF-style: chr1-94021404-C-A. GRCh37 (hg19) VCF-style: chr1-94486960-C-A.
Other names: c.4632G>T, p.Trp1544Cys (NM_001425324.1); short protein forms W1544C, W1618C.
Identifiers: ClinVar variation 2910114 (VCV002910114.3), dbSNP rs61752439, ClinGen allele CA341283234.